The following is an entry in ClinVar:

ClinVar aggregate classification (germline): Likely benign. Review status: criteria provided, multiple submitters, no conflicts (2 of 4 stars). 2 submissions from 2 submitters: Likely benign (2). Last evaluated 2024-11-27.

Conditions:
NRXN3-related disorder. Also called: NRXN3-related condition.

Allele frequency attached by ClinVar (database versions not stated): gnomAD exomes 0.00002 and 0.00005; gnomAD 0.00003 and 0.00004; ExAC 0.00004; TOPMed 0.00006.
gnomAD v4.1: 81 of 1,611,188 alleles (0.005%); highest among the groups gnomAD compares: Middle Eastern, 0.017%; 1 homozygote.

Submissions (2):

PreventionGenetics, part of Exact Sciences
Classification: Likely benign for NRXN3-related condition. Last evaluated: 2024-11-27. Review status: criteria provided, single submitter. Criteria: ACMG Guidelines, 2015. Collection method: clinical testing. Allele origin: germline.
Comment: This variant is classified as likely benign based on ACMG/AMP sequence variant interpretation guidelines (Richards et al. 2015 PMID: 25741868, with internal and published modifications).

Labcorp Genetics (formerly Invitae), Labcorp
Classification: Likely benign. Last evaluated: 2018-07-06. Review status: criteria provided, single submitter. Criteria: Invitae Variant Classification Sherloc (09022015). Collection method: clinical testing. Allele origin: germline.

NM_001330195.2(NRXN3):c.3445-7A>G

Gene: NRXN3 (neurexin 3; plus strand). Cytogenetic location: 14q31.1.
Variant type: single nucleotide variant.
Coding change: c.3445-7A>G on transcript NM_001330195.2 (MANE Select); 7 bases into the intron before coding-DNA position 3445, A replaced by G.
Molecular consequence: intron variant.
Genome position (GRCh38, 1-based): chr14:79,663,771, A>G. VCF-style: chr14-79663771-A-G. GRCh37 (hg19) VCF-style: chr14-80130114-A-G.
Other names: c.3457-7A>G (NM_001366426.1); c.3445-7A>G (NM_001366425.1); c.2326-7A>G (NM_004796.6); c.430-7A>G (NM_001105250.3, NM_138970.5, NM_001272020.2).
Identifiers: ClinVar variation 737903 (VCV000737903.4), dbSNP rs769184645, ClinGen allele CA7292269.